The following is an entry in ClinVar:

NM_006612.6(KIF1C):c.720+20dup

Gene: KIF1C (kinesin family member 1C; plus strand). Cytogenetic location: 17p13.2.
Variant type: Duplication.
Coding change: c.720+20dup on transcript NM_006612.6 (MANE Select); 20 bases into the intron after coding-DNA position 720, one base duplicated (C; older notation c.720+20dupC).
Molecular consequence: intron variant.
Genome position (GRCh38, 1-based): chr17:5,002,862, C duplicated; the last of 11 consecutive C bases (chr17:5,002,852-5,002,862); duplicating any one gives the same sequence. VCF-style (leftmost placement, unchanged base first): chr17-5002851-G-GC. GRCh37 (hg19) VCF-style: chr17-4906146-G-GC.
Other names: p.?; c.720+20dupC (NM_006612.5).
Identifiers: ClinVar variation 468859 (VCV000468859.19), dbSNP rs10533622, ClinGen allele CA8318655.

ClinVar aggregate classification (germline): Benign/Likely benign. Review status: criteria provided, multiple submitters, no conflicts (2 of 4 stars). 5 submissions from 5 submitters: Benign (3); Likely benign (2). Last evaluated 2026-01-25.

Conditions:
Spastic ataxia 2. Also called: Ataxia, spastic, 2, autosomal recessive. Identifiers: Orphanet 397946, MedGen C1969796, MONDO:0012651, OMIM 611302.
Hereditary spastic paraplegia. Also called: Familial spastic paraparesis. Identifiers: Orphanet 685, MedGen C0037773, MONDO:0019064. Disease mechanism: loss of function.

Submissions (5):

Labcorp Genetics (formerly Invitae), Labcorp
Classification: Benign for Spastic ataxia 2. Last evaluated: 2026-01-25. Review status: criteria provided, single submitter. Criteria: Invitae Variant Classification Sherloc (09022015). Collection method: clinical testing. Allele origin: germline.

Mayo Clinic Laboratories, Mayo Clinic
Classification: Benign. Last evaluated: 2025-02-25. Review status: criteria provided, single submitter. Criteria: ACMG Guidelines, 2015. Collection method: clinical testing. Allele origin: germline. Observed: 7 variant alleles.
Comment: BA1, BP4, BP7

Blueprint Genetics
Classification: Likely benign. Last evaluated: 2024-11-27. Review status: criteria provided, single submitter. Criteria: ACMG Guidelines, 2015. Collection method: clinical testing. Allele origin: germline.

Genome Diagnostics Laboratory, The Hospital for Sick Children
Classification: Benign for Hereditary spastic paraplegia. Last evaluated: 2022-01-21. Review status: criteria provided, single submitter. Criteria: ACMG Guidelines, 2015. Collection method: clinical testing. Allele origin: germline. Affected: yes.

GeneDx
Classification: Likely benign. Last evaluated: 2019-09-12. Review status: criteria provided, single submitter. Criteria: GeneDx Variant Classification Process June 2021. Collection method: clinical testing. Allele origin: germline. Affected: yes.